The following is an entry in ClinVar:

ClinVar aggregate classification (germline): Uncertain significance. Review status: criteria provided, multiple submitters, no conflicts (2 of 4 stars). 3 submissions from 3 submitters: Uncertain significance (3). Last evaluated 2024-02-15.

Conditions:
Inborn genetic diseases. Identifiers: MedGen C0950123, MeSH D030342.
Donnai-Barrow syndrome. Also called: DBS/FOAR SYNDROME; FACIOOCULOACOUSTICORENAL SYNDROME. Identifiers: Orphanet 2143, MedGen C1857277, MONDO:0009104, OMIM 222448.

Allele frequency attached by ClinVar (database versions not stated): gnomAD exomes below 0.00001.
gnomAD v4.1: 1 of 1,614,076 alleles (0.000062%); highest among the groups gnomAD compares: Non-Finnish European, 0.000085%; no homozygotes.

Submissions (3):

Fulgent Genetics
Classification: Uncertain significance for Donnai-Barrow syndrome. Last evaluated: 2024-02-15. Review status: criteria provided, single submitter. Criteria: ACMG Guidelines, 2015. Collection method: clinical testing. Allele origin: germline.

Labcorp Genetics (formerly Invitae), Labcorp
Classification: Uncertain significance. Last evaluated: 2022-06-14. Review status: criteria provided, single submitter. Criteria: Invitae Variant Classification Sherloc (09022015). Collection method: clinical testing. Allele origin: germline.
Comment: Advanced modeling of protein sequence and biophysical properties (such as structural, functional, and spatial information, amino acid conservation, physicochemical variation, residue mobility, and thermodynamic stability) performed at Invitae indicates that this missense variant is expected to disrupt LRP2 protein function. In summary, the available evidence is currently insufficient to determine the role of this variant in disease. Therefore, it has been classified as a Variant of Uncertain Significance. This variant has not been reported in the literature in individuals affected with LRP2-related conditions. This variant is not present in population databases (gnomAD no frequency). This sequence change replaces tryptophan, which is neutral and slightly polar, with cysteine, which is neutral and slightly polar, at codon 3340 of the LRP2 protein (p.Trp3340Cys).

Ambry Genetics
Classification: Uncertain significance for Inborn genetic diseases. Last evaluated: 2022-01-26. Review status: criteria provided, single submitter. Criteria: Ambry Variant Classification Scheme 2023. Collection method: clinical testing. Allele origin: germline.

NM_004525.3(LRP2):c.10020G>C (p.Trp3340Cys)

Gene: LRP2 (LDL receptor related protein 2; minus strand). Cytogenetic location: 2q31.1.
Variant type: single nucleotide variant.
Coding change: c.10020G>C on transcript NM_004525.3 (MANE Select); coding-DNA position 10020, G replaced by C.
Protein change: p.Trp3340Cys; replaces tryptophan 3340 with cysteine.
Molecular consequence: missense variant.
Genome position (GRCh38, 1-based): chr2:169,181,597, C>G on the plus strand (G>C on the coding strand, the complement: LRP2 is on the minus strand). VCF-style: chr2-169181597-C-G. GRCh37 (hg19) VCF-style: chr2-170038107-C-G.
Other names: c.10020G>C (NM_004525.2); short protein forms W3340C.
Identifiers: ClinVar variation 1356448 (VCV001356448.11), dbSNP rs2105294700, ClinGen allele CA349151382.
Genomic context (GRCh38, chr2:169,181,597, plus strand): 5'-GATTATCACAGACTTGTTGGTTCCATCCATGCCTACTCTCCCAATGTATGCGCGGTGACC[C>G]CAGTCTGCCCAGTAGAGGTACCTGTCAGGGCAAACACAAAGGGTCAGTCCCTGATGCCAA-3'
Protein context (NP_004516.2, residues 3330-3350): PQYGYLYWAD[Trp3340Cys]GHRAYIGRVG